The following is an entry in ClinVar:

ClinVar aggregate classification (germline): Benign. Review status: criteria provided, multiple submitters, no conflicts (2 of 4 stars). 7 submissions from 7 submitters: Benign (6). 1 of the submissions does not count toward it. Last evaluated 2026-02-04.

Conditions:
Citrullinemia. Identifiers: Orphanet 187, MedGen C0175683, MONDO:0015991.
Citrullinemia type I (CTNL1). Also called: ASS DEFICIENCY; argininosuccinate synthetase deficiency. Identifiers: Orphanet 247525, MedGen C4721769, MONDO:0008988, OMIM 215700.

Allele frequency attached by ClinVar (database versions not stated): gnomAD exomes 0.01224; ExAC 0.01523; gnomAD 0.04599 and 0.04911; TOPMed 0.05148; 1000 Genomes Project 0.05252; ESP Exome Variant Server 0.05490; 1000 Genomes Project 30x 0.05621.
gnomAD v4.1: 14,459 of 1,613,784 alleles (0.9%); highest among the groups gnomAD compares: African/African-American, 16%; 977 homozygotes.

Submissions (7):

Labcorp Genetics (formerly Invitae), Labcorp
Classification: Benign for Citrullinemia. Last evaluated: 2026-02-04. Review status: criteria provided, single submitter. Criteria: Invitae Variant Classification Sherloc (09022015). Collection method: clinical testing. Allele origin: germline.

Illumina Laboratory Services, Illumina
Classification: Benign for Citrullinemia type I. Last evaluated: 2018-01-13. Review status: criteria provided, single submitter. Criteria: ICSL Variant Classification Criteria 13 December 2019. Collection method: clinical testing. Allele origin: germline.
Comment: This variant was observed in the ICSL laboratory as part of a predisposition screen in an ostensibly healthy population. It had not been previously curated by ICSL or reported in the Human Gene Mutation Database (HGMD: prior to June 1st, 2018), and was therefore a candidate for classification through an automated scoring system. Utilizing variant allele frequency, disease prevalence and penetrance estimates, and inheritance mode, an automated score was calculated to assess if this variant is too frequent to cause the disease. Based on the score and internal cut-off values, a variant classified as benign is not then subjected to further curation. The score for this variant resulted in a classification of benign for this disease.

Eurofins Ntd Llc (ga)
Classification: Benign. Last evaluated: 2017-02-01. Review status: criteria provided, single submitter. Criteria: EGL Classification Definitions 2015. Collection method: clinical testing. Allele origin: germline. Observed: 1 variant allele, 1 heterozygote.

GeneDx
Classification: Benign. Last evaluated: 2015-03-03. Review status: criteria provided, single submitter. Criteria: GeneDx Variant Classification Process June 2021. Collection method: clinical testing. Allele origin: germline. Affected: yes.

Breakthrough Genomics
Classification: Benign. Review status: criteria provided, single submitter. Criteria: ACMG Guidelines, 2015. Collection method: not provided. Allele origin: germline. Inheritance: Autosomal recessive inheritance. Affected: yes.

PreventionGenetics, part of Exact Sciences
Classification: Benign. Review status: criteria provided, single submitter. Criteria: ACMG Guidelines, 2015. Collection method: clinical testing. Allele origin: germline.

Natera, Inc.
Classification: Benign for Citrullinemia type I. Last evaluated: 2017-05-05. Review status: no assertion criteria provided. Collection method: clinical testing. Allele origin: germline. Not counted in ClinVar's aggregate classification.

NM_054012.4(ASS1):c.597+8C>T

Gene: ASS1 (argininosuccinate synthase 1; plus strand). Cytogenetic location: 9q34.11.
Variant type: single nucleotide variant.
Coding change: c.597+8C>T on transcript NM_054012.4 (MANE Select); 8 bases into the intron after coding-DNA position 597, C replaced by T.
Molecular consequence: intron variant.
Genome position (GRCh38, 1-based): chr9:130,471,523, C>T. VCF-style: chr9-130471523-C-T. GRCh37 (hg19) VCF-style: chr9-133346910-C-T.
Other names: c.597+8C>T (NM_000050.4).
Identifiers: ClinVar variation 254747 (VCV000254747.25), dbSNP rs77343702, ClinGen allele CA5283375.